The following is an entry in ClinVar:

NM_007294.4(BRCA1):c.4016_4017insTT (p.Glu1339fs)

Genes: BRCA1 (BRCA1 DNA repair associated; minus strand), LOC126862571 (BRD4-independent group 4 enhancer GRCh37_chr17:41243136-41244335; plus strand). Cytogenetic location: 17q21.31.
Variant type: Insertion.
Coding change: c.4016_4017insTT on transcript NM_007294.4 (MANE Select); coding-DNA positions 4016 to 4017, TT inserted.
Protein change: p.Glu1339fs; shifts the reading frame from glutamic acid 1339.
Molecular consequence: frameshift variant. On other transcripts: intron variant (135).
Genome position: GRCh38 VCF-style: chr17-43091514-T-TAA. GRCh37 (hg19) VCF-style: chr17-41243531-T-TAA.
Other names: 4135insTT; c.3803_3804insTT, p.Glu1268fs (NM_001407571.1, NM_001407853.1, NM_001407894.1 and 9 more transcripts); c.4016_4017insTT, p.Glu1339fs (NM_001407581.1, NM_001407582.1, NM_001407583.1 and 30 more transcripts); c.4013_4014insTT, p.Glu1338fs (NM_001407587.1, NM_001407590.1, NM_001407591.1 and 22 more transcripts); c.4007_4008insTT, p.Glu1336fs (NM_001407646.1, NM_001407647.1); c.3893_3894insTT, p.Glu1298fs (NM_001407648.1, NM_001407664.1, NM_001407665.1 and 19 more transcripts); c.3890_3891insTT, p.Glu1297fs (NM_001407649.1, NM_001407670.1, NM_001407671.1 and 11 more transcripts); c.3938_3939insTT, p.Glu1313fs (NM_001407653.1, NM_001407654.1, NM_001407655.1 and 4 more transcripts); and 42 more; short protein forms E1339fs, E1292fs, E1228fs, E1251fs, E1313fs, E1336fs, E1043fs, E1211fs.
Identifiers: ClinVar variation 266429 (VCV000266429.8), dbSNP rs886040187, ClinGen allele CA10589703.

ClinVar aggregate classification (germline): Pathogenic. Review status: reviewed by expert panel (3 of 4 stars). 3 submissions from 3 submitters: Pathogenic (1). 2 of the submissions do not count toward it. Last evaluated 2016-10-18.

Conditions:
Hereditary cancer-predisposing syndrome. Also called: Hereditary Cancer Syndrome; Neoplastic Syndromes, Hereditary; Hereditary neoplastic syndrome; Tumor predisposition. Identifiers: Orphanet 140162, MedGen C0027672, MeSH D009386, MONDO:0015356.
Breast-ovarian cancer, familial, susceptibility to, 1 (BROVCA1). Also called: BRCA1 Hereditary Breast and Ovarian Cancer; OVARIAN CANCER, SUSCEPTIBILITY TO. Identifiers: Orphanet 145, MedGen C2676676, MONDO:0011450, OMIM 604370. Disease mechanism: loss of function.

Submissions (3):

Evidence-based Network for the Interpretation of Germline Mutant Alleles (ENIGMA)
Classification: Pathogenic for Breast-ovarian cancer, familial, susceptibility to, 1. Last evaluated: 2016-10-18. Review status: reviewed by expert panel. Criteria: ENIGMA BRCA1/2 Classification Criteria (2015). Collection method: curation. Allele origin: germline.
Comment: Variant allele predicted to encode a truncated non-functional protein.

Ambry Genetics
Classification: Pathogenic for Hereditary cancer-predisposing syndrome. Last evaluated: 2020-10-30. Review status: criteria provided, single submitter. Criteria: Ambry Variant Classification Scheme 2023. Collection method: clinical testing. Allele origin: germline. Not counted in ClinVar's aggregate classification.
Comment: The c.4016_4017insTT pathogenic mutation, located in coding exon 9 of the BRCA1 gene, results from an insertion of two nucleotides at position 4016, causing a translational frameshift with a predicted alternate stop codon (p.E1339Dfs*28). This alteration was identified in a large, worldwide study of BRCA1/2 mutation positive families (Rebbeck TR et al. Hum Mutat, 2018 05;39:593-620). In addition to the clinical data presented in the literature, this alteration is expected to result in loss of function by premature protein truncation or nonsense-mediated mRNA decay. As such, this alteration is interpreted as a disease-causing mutation.

Consortium of Investigators of Modifiers of BRCA1/2 (CIMBA), c/o University of Cambridge
Classification: Pathogenic for Breast-ovarian cancer, familial, susceptibility to, 1. Last evaluated: 2015-10-02. Review status: criteria provided, single submitter. Criteria: CIMBA Mutation Classification guidelines May 2016. Collection method: clinical testing. Allele origin: germline. Not counted in ClinVar's aggregate classification.

Literature cited by the submitters: PubMed 29446198 (cited by Ambry Genetics).